The following is an entry in ClinVar:

ClinVar aggregate classification (germline): Likely benign (1 of 4 stars; one submission).

Submission:

GeneDx
Classification: Likely benign. Last evaluated: 2014-06-30. Review status: criteria provided, single submitter. Criteria: GeneDx Variant Classification (06012015). Collection method: clinical testing. Allele origin: germline. Affected: yes.
Comment: This variant is considered likely benign or benign based on one or more of the following criteria: it is a conservative change, it occurs at a poorly conserved position in the protein, it is predicted to be benign by multiple in silico algorithms, and/or has population frequency not consistent with disease.

NM_001114753.3(ENG):c.444G>T (p.Glu148Asp)

Gene: ENG (endoglin; minus strand). Cytogenetic location: 9q34.11.
Variant type: single nucleotide variant.
Coding change: c.444G>T on transcript NM_001114753.3 (MANE Select); coding-DNA position 444, G replaced by T.
Protein change: p.Glu148Asp; replaces glutamic acid 148 with aspartic acid.
Molecular consequence: missense variant. On other transcripts: 5 prime UTR variant (1).
Genome position (GRCh38, 1-based): chr9:127,826,589, C>A on the plus strand (G>T on the coding strand, the complement: ENG is on the minus strand). VCF-style: chr9-127826589-C-A. GRCh37 (hg19) VCF-style: chr9-130588868-C-A.
Other names: p.E148D:GAG>GAT; c.444G>T, p.Glu148Asp (NM_000118.4, NM_001406715.1); c.-103G>T (NM_001278138.2); short protein forms E148D.
Identifiers: ClinVar variation 213199 (VCV000213199.3), dbSNP rs863223530, ClinGen allele CA323043.